The following is an entry in ClinVar:

ClinVar aggregate classification (germline): Uncertain significance. Review status: criteria provided, multiple submitters, no conflicts (2 of 4 stars). 2 submissions from 2 submitters: Uncertain significance (2). Last evaluated 2026-01-20.

Allele frequency attached by ClinVar (database versions not stated): gnomAD 0.00002; gnomAD exomes 0.00002; TOPMed 0.00004; ExAC 0.00005.

Submissions (2):

Labcorp Genetics (formerly Invitae), Labcorp
Classification: Uncertain significance. Last evaluated: 2026-01-20. Review status: criteria provided, single submitter. Criteria: Invitae Variant Classification Sherloc (09022015). Collection method: clinical testing. Allele origin: germline.
Comment: This sequence change replaces aspartic acid, which is acidic and polar, with histidine, which is basic and polar, at codon 503 of the NPAT protein (p.Asp503His). This variant is present in population databases (rs780092429, gnomAD 0.03%). This variant has not been reported in the literature in individuals affected with NPAT-related conditions. ClinVar contains an entry for this variant (Variation ID: 1774115). An algorithm developed to predict the effect of missense changes on protein structure and function outputs the following: PolyPhen-2: "Benign". The histidine amino acid residue is found in multiple mammalian species, which suggests that this missense change does not adversely affect protein function. In summary, the available evidence is currently insufficient to determine the role of this variant in disease. Therefore, it has been classified as a Variant of Uncertain Significance.

Ambry Genetics
Classification: Uncertain significance. Last evaluated: 2025-08-27. Review status: criteria provided, single submitter. Criteria: Ambry Variant Classification Scheme 2023. Collection method: clinical testing. Allele origin: germline.

NM_002519.3(NPAT):c.1507G>C (p.Asp503His)

Gene: NPAT (nuclear protein, coactivator of histone transcription; minus strand). Cytogenetic location: 11q22.3.
Variant type: single nucleotide variant.
Coding change: c.1507G>C on transcript NM_002519.3 (MANE Select); coding-DNA position 1507, G replaced by C.
Protein change: p.Asp503His; replaces aspartic acid 503 with histidine.
Molecular consequence: missense variant.
Genome position (GRCh38, 1-based): chr11:108,173,477, C>G on the plus strand (G>C on the coding strand, the complement: NPAT is on the minus strand). VCF-style: chr11-108173477-C-G. GRCh37 (hg19) VCF-style: chr11-108044204-C-G.
Other names: c.1507G>C, p.Asp503His (NM_001321307.1); short protein forms D503H.
Identifiers: ClinVar variation 1774115 (VCV001774115.8), dbSNP rs780092429, ClinGen allele CA6263976.
Genomic context (GRCh38, chr11:108,173,477, plus strand): 5'-TTTCATTGTTAGCTTCACAACCAAGTGAAACAAATGAAGTTATTGGTATATCAGGCTGAT[C>G]AGGCTGTAACTGAGATTCACTCGGTACATTTGAAGACAAAGAGTTCTTTTCAATCCCTAT-3'
Protein context (NP_002510.2, residues 493-513): NVPSESQLQP[Asp503His]QPDIPITSFV